The following is an entry in ClinVar:

ClinVar aggregate classification (germline): Uncertain significance. Review status: criteria provided, multiple submitters, no conflicts (2 of 4 stars). 2 submissions from 2 submitters: Uncertain significance (2). Last evaluated 2025-10-22.

Conditions:
Mucopolysaccharidosis, MPS-IV-A (MPS4A). Also called: Mucopolysaccharidosis type IV A; MPS IVA; GALACTOSAMINE-6-SULFATASE DEFICIENCY; GALNS DEFICIENCY; mucopolysaccharidosis type 4A; Morquio syndrome A, mild. Identifiers: Orphanet 309297, Orphanet 582, MedGen C0086651, MONDO:0009659, OMIM 253000.

Allele frequency attached by ClinVar (database versions not stated): gnomAD exomes 0.00001 and 0.00004; gnomAD 0.00003; ExAC 0.00004; TOPMed 0.00007.
gnomAD v4.1: 24 of 1,613,330 alleles (0.0015%); highest among the groups gnomAD compares: East Asian, 0.031%; no homozygotes.

Submissions (2):

Labcorp Genetics (formerly Invitae), Labcorp
Classification: Uncertain significance for Mucopolysaccharidosis, MPS-IV-A. Last evaluated: 2025-10-22. Review status: criteria provided, single submitter. Criteria: Invitae Variant Classification Sherloc (09022015). Collection method: clinical testing. Allele origin: germline.
Comment: This sequence change replaces alanine, which is neutral and non-polar, with threonine, which is neutral and polar, at codon 400 of the GALNS protein (p.Ala400Thr). This variant is present in population databases (rs2303270, gnomAD 0.05%). This variant has not been reported in the literature in individuals affected with GALNS-related conditions. ClinVar contains an entry for this variant (Variation ID: 1016605). Invitae Evidence Modeling of protein sequence and biophysical properties (such as structural, functional, and spatial information, amino acid conservation, physicochemical variation, residue mobility, and thermodynamic stability) indicates that this missense variant is expected to disrupt GALNS protein function with a positive predictive value of 95%. In summary, the available evidence is currently insufficient to determine the role of this variant in disease. Therefore, it has been classified as a Variant of Uncertain Significance.

Juno Genomics, Hangzhou Juno Genomics, Inc
Classification: Uncertain significance for Mucopolysaccharidosis, MPS-IV-A. Review status: criteria provided, single submitter. Criteria: ACMG Guidelines, 2015. Collection method: clinical testing. Allele origin: germline.
Comment: Absent from controls (or at extremely low frequency if recessive) in Genome Aggregation Database.;Multiple lines of computational evidence support a deleterious effect on the gene or gene product.

NM_000512.5(GALNS):c.1198G>A (p.Ala400Thr)

Gene: GALNS (galactosamine (N-acetyl)-6-sulfatase; minus strand). Cytogenetic location: 16q24.3.
Variant type: single nucleotide variant.
Coding change: c.1198G>A on transcript NM_000512.5 (MANE Select); coding-DNA position 1198, G replaced by A.
Protein change: p.Ala400Thr; replaces alanine 400 with threonine.
Molecular consequence: missense variant.
Genome position (GRCh38, 1-based): chr16:88,824,811, C>T on the plus strand (G>A on the coding strand, the complement: GALNS is on the minus strand). VCF-style: chr16-88824811-C-T. GRCh37 (hg19) VCF-style: chr16-88891219-C-T.
Other names: c.643G>A, p.Ala215Thr (NM_001323543.2); c.1216G>A, p.Ala406Thr (NM_001323544.2); short protein forms A215T, A400T, A406T.
Identifiers: ClinVar variation 1016605 (VCV001016605.8), dbSNP rs2303270, ClinGen allele CA8234778.
Genomic context (GRCh38, chr16:88,824,811, plus strand): 5'-GTCCCGAGCCCTGTACCTGTCTGAAGTTCTCCCAGGAGTTGGTCCAGGTCCAGAAGTGAG[C>T]CTTGTGCTGCCCGAGGGTGGCCGCCATCAGCGTGTCGCCACGGTAATAGAAGATAGGCCT-3'
Protein context (NP_000503.1, residues 390-410): LMAATLGQHK[Ala400Thr]HFWTWTNSWE